The following is an entry in ClinVar:

NM_018896.5(CACNA1G):c.4422+134C>T

Gene: CACNA1G (calcium voltage-gated channel subunit alpha1 G; plus strand). Cytogenetic location: 17q21.33.
Variant type: single nucleotide variant.
Coding change: c.4422+134C>T on transcript NM_018896.5 (MANE Select); 134 bases into the intron after coding-DNA position 4422, C replaced by T.
Molecular consequence: intron variant.
Genome position (GRCh38, 1-based): chr17:50,606,157, C>T. VCF-style: chr17-50606157-C-T. GRCh37 (hg19) VCF-style: chr17-48683518-C-T.
Other names: c.4422+134C>T (NM_001256324.2, NM_198386.3, NM_001256328.2 and 16 more transcripts); c.4353+134C>T (NM_198396.3, NM_198379.3, NM_198387.3 and 5 more transcripts).
Identifiers: ClinVar variation 2647925 (VCV002647925.24), dbSNP rs183551632, ClinGen allele CA8653029.
Genomic context (GRCh38, chr17:50,606,157, plus strand): 5'-CTGCTGACTCCGGTGGAGGTGGGCTCCACGAAGAGATCAGCCCTTCACACCCTCTGCTGT[C>T]TAACCACCAGCATGTCGCAAAGCCCAGTCCATCCCACAGTGCCCCAAAAAGTGGGCCCAT-3'

ClinVar aggregate classification (germline): Likely benign (1 of 4 stars; one submission).

Allele frequency attached by ClinVar (database versions not stated): ExAC 0.00008; gnomAD 0.00012; TOPMed 0.00013; 1000 Genomes Project 0.00060; 1000 Genomes Project 30x 0.00062.
gnomAD v4.1: 73 of 1,263,636 alleles (0.0058%); highest among the groups gnomAD compares: Middle Eastern, 0.055%; no homozygotes.

Submission:

CeGaT Center for Human Genetics Tuebingen
Classification: Likely benign. Last evaluated: 2023-01-01. Review status: criteria provided, single submitter. Criteria: CeGaT Center For Human Genetics Tuebingen Variant Classification Criteria Version 2. Collection method: clinical testing. Allele origin: germline. Affected: yes. Observed: 1 variant allele.
Comment: CACNA1G: PP2, PP3, BS2